The following is an entry in ClinVar:

NM_018714.3(COG1):c.2365G>A (p.Glu789Lys)

Gene: COG1 (component of oligomeric golgi complex 1; plus strand). Cytogenetic location: 17q25.1.
Variant type: single nucleotide variant.
Coding change: c.2365G>A on transcript NM_018714.3 (MANE Select); coding-DNA position 2365, G replaced by A.
Protein change: p.Glu789Lys; replaces glutamic acid 789 with lysine.
Molecular consequence: missense variant.
Genome position (GRCh38, 1-based): chr17:73,203,776, G>A. VCF-style: chr17-73203776-G-A. GRCh37 (hg19) VCF-style: chr17-71199915-G-A.
Other names: short protein forms E789K.
Identifiers: ClinVar variation 784701 (VCV000784701.14), dbSNP rs201867802, ClinGen allele CA8740434.
Genomic context (GRCh38, chr17:73,203,776, plus strand): 5'-TTACAGGAGATGCTGAAAAGCTGTATGGTTCAAGTAGTAGCTGCCTATGAGAAACTCTCC[G>A]AAGAAAAACAGATTAAGGTAGGTGTCTGAATGTTTGCCCATTAAAAACACAAATTAAACA-3'
Protein context (NP_061184.1, residues 779-799): QVVAAYEKLS[Glu789Lys]EKQIKKEGAF

ClinVar aggregate classification (germline): Conflicting classifications of pathogenicity. Review status: criteria provided, conflicting classifications (1 of 4 stars). 2 submissions from 2 submitters: Uncertain significance (1); Likely benign (1). Last evaluated 2026-01-08.

Conditions:
COG1 congenital disorder of glycosylation (CDG2G). Also called: CONGENITAL DISORDER OF GLYCOSYLATION, TYPE IIg; CDG IIg; CDGII/COG1 CEREBROCOSTOMANDIBULAR-LIKE SYNDROME. Identifiers: Orphanet 263508, MedGen C2931011, MONDO:0012637, OMIM 611209.

Allele frequency attached by ClinVar (database versions not stated): gnomAD exomes 0.00009 and 0.00023; ExAC 0.00017; gnomAD 0.00021; TOPMed 0.00030; ESP Exome Variant Server 0.00038.

Submissions (2):

Labcorp Genetics (formerly Invitae), Labcorp
Classification: Likely benign for COG1 congenital disorder of glycosylation. Last evaluated: 2026-01-08. Review status: criteria provided, single submitter. Criteria: Invitae Variant Classification Sherloc (09022015). Collection method: clinical testing. Allele origin: germline.

Illumina Laboratory Services, Illumina
Classification: Uncertain significance for COG1 congenital disorder of glycosylation. Last evaluated: 2017-04-27. Review status: criteria provided, single submitter. Criteria: ICSL Variant Classification Criteria 13 December 2019. Collection method: clinical testing. Allele origin: germline.
Comment: This variant was observed as part of a predisposition screen in an ostensibly healthy population. A literature search was performed for the gene, cDNA change, and amino acid change (where applicable). Publications were found based on this search. However, the evidence from the literature, in combination with allele frequency data from public databases where available, was not sufficient to rule this variant in or out of causing disease. Therefore, this variant is classified as a variant of unknown significance.

Literature cited by the submitters: PubMed 23806237 (cited by Illumina Laboratory Services, Illumina).